The following is an entry in ClinVar:

ClinVar aggregate classification (germline): Conflicting classifications of pathogenicity. Review status: criteria provided, conflicting classifications (1 of 4 stars). 2 submissions from 2 submitters: Uncertain significance (1); Likely benign (1). Last evaluated 2026-07-22.

Conditions:
Hereditary cancer-predisposing syndrome. Also called: Tumor predisposition; Hereditary neoplastic syndrome; Neoplastic Syndromes, Hereditary; Hereditary Cancer Syndrome. Identifiers: Orphanet 140162, MedGen C0027672, MeSH D009386, MONDO:0015356.

Allele frequency attached by ClinVar (database versions not stated): TOPMed below 0.00001.

Submissions (3):

Ambry Genetics
Classification: Likely benign for Hereditary cancer-predisposing syndrome. Last evaluated: 2026-07-22. Review status: criteria provided, single submitter. Criteria: Ambry Variant Classification Scheme 2023. Collection method: clinical testing. Allele origin: germline.

Women's Health and Genetics/Laboratory Corporation of America, LabCorp
Classification: Uncertain significance. Last evaluated: 2026-04-07. Review status: criteria provided, single submitter. Criteria: LabCorp Variant Classification Summary - May 2015. Collection method: clinical testing. Allele origin: germline.
Comment: Variant summary: BRCA1 c.5180A>C (p.Lys1727Thr) results in a non-conservative amino acid change in the encoded protein sequence. Algorithms developed to predict the effect of missense changes on protein structure and function are either unavailable or do not agree on the potential impact of this missense change. The variant was absent in 251090 control chromosomes (gnomAD). The available data on variant occurrences in the general population are insufficient to allow any conclusion about variant significance. To our knowledge, no occurrence of c.5180A>C in individuals affected with BRCA1-related conditions has been reported. At least one functional study reports experimental evidence evaluating an impact on protein function and showed no damaging effect of this variant on homology directed repair (HDR) activity (e.g. Findlay_2018). HDR assays qualify as a recognized gold standard on the basis of updated guidance provided by the ClinGen Sequence Variant Interpretation (SVI) working group. The following publication has been ascertained in the context of this evaluation (PMID: 30209399). ClinVar contains an entry for this variant (Variation ID: 867445). Based on the evidence outlined above, the variant was classified as uncertain significance.

Brotman Baty Institute, University of Washington
No classification provided (evidence only). Condition: Breast-ovarian cancer, familial 1. Review status: no classification provided. Collection method: in vitro. Allele origin: not applicable. Functional consequence: functionally_normal. Not counted in ClinVar's aggregate classification.
ClinVar note: "not provided" was previously submitted as the classification for the variant. However, the classification appeared to be based only on an observation of functional data so it was converted to no classification on 2025-07-30.

Literature cited by the submitters: PubMed 30209399 (cited by Ambry Genetics and Women's Health and Genetics/Laboratory Corporation of America, LabCorp).

NM_007294.4(BRCA1):c.5180A>C (p.Lys1727Thr)

Gene: BRCA1 (BRCA1 DNA repair associated; minus strand). Cytogenetic location: 17q21.31.
Variant type: single nucleotide variant.
Coding change: c.5180A>C on transcript NM_007294.4 (MANE Select); coding-DNA position 5180, A replaced by C.
Protein change: p.Lys1727Thr; replaces lysine 1727 with threonine.
Molecular consequence: missense variant. On other transcripts: non-coding transcript variant (1).
Genome position (GRCh38, 1-based): chr17:43,063,346, T>G on the plus strand (A>C on the coding strand, the complement: BRCA1 is on the minus strand). VCF-style: chr17-43063346-T-G. GRCh37 (hg19) VCF-style: chr17-41215363-T-G.
Other names: c.4967A>C, p.Lys1656Thr (NM_001407571.1, NM_001407900.1, NM_001407902.1 and 12 more transcripts); c.5246A>C, p.Lys1749Thr (NM_001407581.1, NM_001407582.1); c.5243A>C, p.Lys1748Thr (NM_001407583.1, NM_001407585.1, NM_001407587.1 and 1 more transcripts); c.5177A>C, p.Lys1726Thr (NM_001407610.1, NM_001407611.1, NM_001407612.1 and 17 more transcripts); c.5174A>C, p.Lys1725Thr (NM_001407629.1, NM_001407630.1, NM_001407631.1 and 14 more transcripts); c.5120A>C, p.Lys1707Thr (NM_001407649.1); c.5102A>C, p.Lys1701Thr (NM_001407652.1, NM_001407653.1, NM_001407654.1 and 1 more transcripts); c.5099A>C, p.Lys1700Thr (NM_001407656.1, NM_001407657.1, NM_001407658.1); and 72 more; short protein forms K1748T, K1727T, K623T, K1680T, K1573T, K1598T, K1614T, K1615T.
Identifiers: ClinVar variation 867445 (VCV000867445.5), dbSNP rs2051859511, ClinGen allele CA10591185.